The following is an entry in ClinVar:

NC_012920.1(MT-CO1):m.7365C>A

Gene: MT-CO1 (mitochondrially encoded cytochrome c oxidase I; plus strand).
Variant type: single nucleotide variant.
Genome position: chrM-7365-C-A.
Identifiers: ClinVar variation 692739 (VCV000692739.1), dbSNP rs1603220919, ClinGen allele CA414792583.
Genomic context (GRCh38, chrMT:7,365, plus strand): 5'-ATAATTTTCATGATTTGAGAAGCCTTCGCTTCGAAGCGAAAAGTCCTAATAGTAGAAGAA[C>A]CCTCCATAAACCTGGAGTGACTATATGGATGCCCCCCACCCTACCACACATTCGAAGAAC-3'

ClinVar aggregate classification (germline): Uncertain significance (1 of 4 stars; one submission).

Conditions:
Leigh syndrome (NULS). Also called: Leigh's necrotizing encephalopathy; Leigh's disease; Leigh Syndrome (mtDNA deletion); Leigh Disease; Subacute necrotizing encephalopathy; Necrotizing encephalopathy infantile subacute of Leigh. Identifiers: Orphanet 506, MedGen C2931891, MONDO:0009723, OMIM 256000.

Submission:

Wong Mito Lab, Molecular and Human Genetics, Baylor College of Medicine
Classification: Uncertain significance for Leigh syndrome. Last evaluated: 2019-10-17. Review status: criteria provided, single submitter. Criteria: Modified ACMG Guidelines (Unpublished). Collection method: clinical testing. Allele origin: germline.
Comment: The NC_012920.1:m.7365C>A (YP_003024028.1:p.Pro488Thr) variant in MTCO1 gene is interpretated to be a Uncertain Significance variant based on the modified ACMG guidelines (unpublished). This variant meets the following evidence codes: PP6, PP7,BP4